The following is an entry in ClinVar:

NM_001365088.1(SLC12A6):c.3205C>T (p.Gln1069Ter)

Gene: SLC12A6 (solute carrier family 12 member 6; minus strand). Cytogenetic location: 15q14.
Variant type: single nucleotide variant.
Coding change: c.3205C>T on transcript NM_001365088.1 (MANE Select); coding-DNA position 3205, C replaced by T.
Protein change: p.Gln1069Ter; replaces glutamine 1069 with a stop codon.
Molecular consequence: nonsense.
Genome position (GRCh38, 1-based): chr15:34,236,037, G>A on the plus strand (C>T on the coding strand, the complement: SLC12A6 is on the minus strand). VCF-style: chr15-34236037-G-A. GRCh37 (hg19) VCF-style: chr15-34528238-G-A.
Other names: c.3028C>T, p.Gln1010Ter (NM_001042494.2, NM_001042495.2); c.3178C>T, p.Gln1060Ter (NM_001042496.2); c.3160C>T, p.Gln1054Ter (NM_001042497.2); c.3052C>T, p.Gln1018Ter (NM_005135.2); c.3205C>T, p.Gln1069Ter (NM_133647.2); short protein forms Q1010*, Q1060*, Q1054*, Q1069*, Q1018*.
Identifiers: ClinVar variation 2731170 (VCV002731170.3), dbSNP rs2509743045, ClinGen allele CA391617478.

ClinVar aggregate classification (germline): Pathogenic (1 of 4 stars; one submission).

gnomAD v4.1: 1 of 1,613,950 alleles (0.000062%); no homozygotes.

Submission:

Labcorp Genetics (formerly Invitae), Labcorp
Classification: Pathogenic. Last evaluated: 2023-05-26. Review status: criteria provided, single submitter. Criteria: Invitae Variant Classification Sherloc (09022015). Collection method: clinical testing. Allele origin: germline.
Comment: For these reasons, this variant has been classified as Pathogenic. This variant has not been reported in the literature in individuals affected with SLC12A6-related conditions. This variant is not present in population databases (gnomAD no frequency). This sequence change creates a premature translational stop signal (p.Gln1069*) in the SLC12A6 gene. It is expected to result in an absent or disrupted protein product. Loss-of-function variants in SLC12A6 are known to be pathogenic (PMID: 12368912, 16606917).

Literature cited by the submitters: PubMed 12368912; PubMed 16606917.